The following is an entry in ClinVar:

ClinVar aggregate classification (germline): Pathogenic (1 of 4 stars; one submission).

Conditions:
Chondrosarcoma. Also called: Chondrosarcoma, somatic. Identifiers: Orphanet 55880, MedGen C0008479, MONDO:0008977, OMIM 215300, HP:0006765.
Exostoses, multiple, type 1 (EXT1). Also called: Hereditary Multiple Osteochondromatosis, Type I; EXOSTOSES, MULTIPLE, TYPE I. Identifiers: MedGen CN263289, MONDO:0007585, OMIM 133700.

Submission:

Juno Genomics, Hangzhou Juno Genomics, Inc
Classification: Pathogenic for Chondrosarcoma; Exostoses, multiple, type 1. Review status: criteria provided, single submitter. Criteria: ACMG Guidelines, 2015. Collection method: clinical testing. Allele origin: germline. Affected: yes.
Comment: Absent from controls (or at extremely low frequency if recessive) in Genome Aggregation Database, Exome Sequencing Project, 1000 Genomes Project, or Exome Aggregation Consortium.;Null variant in a gene where loss of function (LOF) is a known mechanism of disease.;The prevalence of the variant in affected individuals is significantly increased compared to the prevalence in controls.;Patient's phenotype or family history is highly specific for a disease with a single genetic etiology.

NM_000127.3(EXT1):c.599G>A (p.Trp200Ter)

Gene: EXT1 (exostosin glycosyltransferase 1; minus strand). Cytogenetic location: 8q24.11.
Variant type: single nucleotide variant.
Coding change: c.599G>A on transcript NM_000127.3 (MANE Select); coding-DNA position 599, G replaced by A.
Protein change: p.Trp200Ter; replaces tryptophan 200 with a stop codon.
Molecular consequence: nonsense.
Genome position (GRCh38, 1-based): chr8:118,110,448, C>T on the plus strand (G>A on the coding strand, the complement: EXT1 is on the minus strand). VCF-style: chr8-118110448-C-T. GRCh37 (hg19) VCF-style: chr8-119122687-C-T.
Other names: short protein forms W200*.
Identifiers: ClinVar variation 4531242 (VCV004531242.1).
Genomic context (GRCh38, chr8:118,110,448, plus strand): 5'-CTGGCTTTGGCCAGCATCGCCTGGCCGATGTCAAACCCCACGTCCTCGGTGTAGTCAGGC[C>T]AAGTGCCGGAATATAAATTAAAAATTAAATGATTCCTACCATTGTTCCACAAGTGGAGAC-3'